The following is an entry in ClinVar:

ClinVar aggregate classification (germline): Uncertain significance. Review status: criteria provided, multiple submitters, no conflicts (2 of 4 stars). 3 submissions from 3 submitters: Uncertain significance (3). Last evaluated 2025-07-02.

Conditions:
Cardiovascular phenotype. Identifiers: MedGen CN230736.

Allele frequency attached by ClinVar (database versions not stated): gnomAD exomes below 0.00001; TOPMed below 0.00001; gnomAD 0.00001.
gnomAD v4.1: 7 of 1,613,452 alleles (0.00043%); highest among the groups gnomAD compares: Non-Finnish European, 0.00042%; 1 homozygote.

Submissions (3):

Labcorp Genetics (formerly Invitae), Labcorp
Classification: Uncertain significance. Last evaluated: 2025-07-02. Review status: criteria provided, single submitter. Criteria: Invitae Variant Classification Sherloc (09022015). Collection method: clinical testing. Allele origin: germline.
Comment: This sequence change replaces threonine, which is neutral and polar, with alanine, which is neutral and non-polar, at codon 597 of the ALPK3 protein (p.Thr597Ala). This variant is present in population databases (no rsID available, gnomAD 0.007%). This variant has not been reported in the literature in individuals affected with ALPK3-related conditions. ClinVar contains an entry for this variant (Variation ID: 1699597). Invitae Evidence Modeling of protein sequence and biophysical properties (such as structural, functional, and spatial information, amino acid conservation, physicochemical variation, residue mobility, and thermodynamic stability) indicates that this missense variant is not expected to disrupt ALPK3 protein function with a negative predictive value of 80%. In summary, the available evidence is currently insufficient to determine the role of this variant in disease. Therefore, it has been classified as a Variant of Uncertain Significance.

Ambry Genetics
Classification: Uncertain significance for Cardiovascular phenotype. Last evaluated: 2025-02-09. Review status: criteria provided, single submitter. Criteria: Ambry Variant Classification Scheme 2023. Collection method: clinical testing. Allele origin: germline.
Comment: The p.T597A variant (also known as c.1789A>G), located in coding exon 5 of the ALPK3 gene, results from an A to G substitution at nucleotide position 1789. The threonine at codon 597 is replaced by alanine, an amino acid with similar properties. This amino acid position is conserved. In addition, this alteration is predicted to be tolerated by in silico analysis. Based on the available evidence, the clinical significance of this variant remains unclear.

GeneDx
Classification: Uncertain significance. Last evaluated: 2022-01-31. Review status: criteria provided, single submitter. Criteria: GeneDx Variant Classification Process June 2021. Collection method: clinical testing. Allele origin: germline. Affected: yes.
Comment: Has not been previously published as pathogenic or benign to our knowledge; Not observed at significant frequency in large population cohorts (gnomAD); In silico analysis supports that this missense variant does not alter protein structure/function

NM_020778.5(ALPK3):c.1183A>G (p.Thr395Ala)

Gene: ALPK3 (alpha kinase 3; plus strand). Cytogenetic location: 15q25.3.
Variant type: single nucleotide variant.
Coding change: c.1183A>G on transcript NM_020778.5 (MANE Select); coding-DNA position 1183, A replaced by G.
Protein change: p.Thr395Ala; replaces threonine 395 with alanine.
Molecular consequence: missense variant.
Genome position (GRCh38, 1-based): chr15:84,840,462, A>G. VCF-style: chr15-84840462-A-G. GRCh37 (hg19) VCF-style: chr15-85383693-A-G.
Other names: c.1789A>G (NM_020778.4); short protein forms T395A.
Identifiers: ClinVar variation 1699597 (VCV001699597.8), dbSNP rs1285409508, ClinGen allele CA393374705.